The following is an entry in ClinVar:

NM_000075.4(CDK4):c.109G>A (p.Val37Met)

Gene: CDK4 (cyclin dependent kinase 4; minus strand). Cytogenetic location: 12q14.1.
Variant type: single nucleotide variant.
Coding change: c.109G>A on transcript NM_000075.4 (MANE Select); coding-DNA position 109, G replaced by A.
Protein change: p.Val37Met; replaces valine 37 with methionine.
Molecular consequence: missense variant.
Genome position (GRCh38, 1-based): chr12:57,751,609, C>T on the plus strand (G>A on the coding strand, the complement: CDK4 is on the minus strand). VCF-style: chr12-57751609-C-T. GRCh37 (hg19) VCF-style: chr12-58145392-C-T.
Other names: short protein forms V37M.
Identifiers: ClinVar variation 408336 (VCV000408336.20), dbSNP rs1060501930, ClinGen allele CA16613852.
Genomic context (GRCh38, chr12:57,751,609, plus strand): 5'-CCTCACGAACTGTGCTGATGGGAAGGCCTCCTCCACCTCCTCCTCCATTGGGGACTCTCA[C>T]ACTCTTGAGGGCCACAAAGTGGCCACTGTGGGGATCACGGGCCTTGTACACTGTCCCATA-3'
Protein context (NP_000066.1, residues 27-47): HSGHFVALKS[Val37Met]RVPNGGGGGG

ClinVar aggregate classification (germline): Uncertain significance. Review status: criteria provided, multiple submitters, no conflicts (2 of 4 stars). 5 submissions from 5 submitters: Uncertain significance (5). Last evaluated 2026-01-02.

Conditions:
CDK4-related disorder. Also called: CDK4-related condition.
Familial melanoma. Also called: Hereditary melanoma; Hereditary cutaneous melanoma. Identifiers: Orphanet 618, MedGen C1512419, MONDO:0018961.
Hereditary cancer-predisposing syndrome. Also called: Neoplastic Syndromes, Hereditary; Tumor predisposition; Hereditary Cancer Syndrome; Hereditary neoplastic syndrome. Identifiers: Orphanet 140162, MedGen C0027672, MeSH D009386, MONDO:0015356.

Allele frequency attached by ClinVar (database versions not stated): gnomAD exomes below 0.00001; gnomAD 0.00001; TOPMed 0.00003.
gnomAD v4.1: 8 of 1,614,086 alleles (0.0005%); highest among the groups gnomAD compares: South Asian, 0.0011%; no homozygotes.

Submissions (5):

Labcorp Genetics (formerly Invitae), Labcorp
Classification: Uncertain significance for Familial melanoma. Last evaluated: 2026-01-02. Review status: criteria provided, single submitter. Criteria: Invitae Variant Classification Sherloc (09022015). Collection method: clinical testing. Allele origin: germline.
Comment: This sequence change replaces valine, which is neutral and non-polar, with methionine, which is neutral and non-polar, at codon 37 of the CDK4 protein (p.Val37Met). This variant is present in population databases (no rsID available, gnomAD 0.0009%). This variant has not been reported in the literature in individuals affected with CDK4-related conditions. ClinVar contains an entry for this variant (Variation ID: 408336). An algorithm developed to predict the effect of missense changes on protein structure and function (PolyPhen-2) suggests that this variant is likely to be disruptive. In summary, the available evidence is currently insufficient to determine the role of this variant in disease. Therefore, it has been classified as a Variant of Uncertain Significance.

Quest Diagnostics Nichols Institute San Juan Capistrano
Classification: Uncertain significance. Last evaluated: 2025-03-11. Review status: criteria provided, single submitter. Criteria: Quest Diagnostics criteria. Collection method: clinical testing. Allele origin: unknown.
Comment: The CDK4 c.109G>A (p.Val37Met) variant has not been reported in individuals with CDK4-related conditions in the published literature. The frequency of this variant in the general population (Genome Aggregation Database) is uninformative in the assessment of its pathogenicity. Analysis of this variant using bioinformatics tools for the prediction of the effect of amino acid changes on protein structure and function yielded conflicting predictions that this variant is benign or damaging. Based on the available information, we are unable to determine the clinical significance of this variant.

PreventionGenetics, part of Exact Sciences
Classification: Uncertain significance for CDK4-related condition. Last evaluated: 2025-02-26. Review status: criteria provided, single submitter. Criteria: ACMG Guidelines, 2015. Collection method: clinical testing. Allele origin: germline.
Comment: The CDK4 c.109G>A variant is predicted to result in the amino acid substitution p.Val37Met. To our knowledge, this variant has not been reported in the literature or in a large population database (gnomAD), indicating this variant is rare. This variant is classified as a variant of uncertain significance in ClinVar. At this time, the clinical significance of this variant is uncertain due to the absence of conclusive functional and genetic evidence.

Ambry Genetics
Classification: Uncertain significance for Hereditary cancer-predisposing syndrome. Last evaluated: 2024-10-10. Review status: criteria provided, single submitter. Criteria: Ambry Variant Classification Scheme 2023. Collection method: clinical testing. Allele origin: germline.
Comment: The p.V37M variant (also known as c.109G>A), located in coding exon 1 of the CDK4 gene, results from a G to A substitution at nucleotide position 109. The valine at codon 37 is replaced by methionine, an amino acid with highly similar properties. This amino acid position is well conserved in available vertebrate species. In addition, the in silico prediction for this alteration is inconclusive. Based on the available evidence, the clinical significance of this variant remains unclear.

GeneDx
Classification: Uncertain significance. Last evaluated: 2023-01-19. Review status: criteria provided, single submitter. Criteria: GeneDx Variant Classification Process June 2021. Collection method: clinical testing. Allele origin: germline. Affected: yes.
Comment: Not observed at significant frequency in large population cohorts (gnomAD); In silico analysis supports that this missense variant does not alter protein structure/function; Has not been previously published as pathogenic or benign to our knowledge; This variant is associated with the following publications: (PMID: 25231023)